The following is an entry in ClinVar:

ClinVar aggregate classification (germline): Likely benign. Review status: criteria provided, single submitter (1 of 4 stars). 2 submissions from 2 submitters: Likely benign (1). 1 of the submissions does not count toward it. Last evaluated 2019-10-17.

Conditions:
SUDDEN INFANT DEATH SYNDROME (SIDS). Also called: Sudden Infant Death. Identifiers: MedGen C0038644, MeSH D013398, OMIM 272120.
Leigh syndrome (NULS). Also called: Leigh Disease; LEIGH SYNDROME, NUCLEAR; Leigh Syndrome (mtDNA deletion); Leigh's necrotizing encephalopathy; Leigh's disease; Leigh's syndrome. Identifiers: Orphanet 506, MedGen C2931891, MONDO:0009723, OMIM 256000.

Submissions (2):

Wong Mito Lab, Molecular and Human Genetics, Baylor College of Medicine
Classification: Likely benign for Leigh syndrome. Last evaluated: 2019-10-17. Review status: criteria provided, single submitter. Criteria: Modified ACMG Guidelines (Unpublished). Collection method: clinical testing. Allele origin: germline.
Comment: The NC_012920.1:m.3308T>G (YP_003024026.1:p.Met1?) variant in MTND1 gene is interpretated to be a Likely Benign variant based on the modified ACMG guidelines (unpublished). This variant meets the following evidence codes: BS4, BP5

OMIM
Classification: Pathogenic for SUDDEN INFANT DEATH SYNDROME. Last evaluated: 1999-09-01. Review status: no assertion criteria provided. Collection method: literature only. Allele origin: germline. Not counted in ClinVar's aggregate classification.

Literature cited by the submitters: PubMed 12160969 (cited by Wong Mito Lab, Molecular and Human Genetics, Baylor College of Medicine); PubMed 10519336 (cited by OMIM).

NC_012920.1(MT-ND1):m.3308T>G

Gene: MT-ND1 (mitochondrially encoded NADH dehydrogenase 1; plus strand).
Variant type: single nucleotide variant.
Genome position: chrM-3308-T-G.
Other names: MTND1, 3308T-G, MET1TER; M1*.
Identifiers: ClinVar variation 9729 (VCV000009729.2), dbSNP rs28358582, ClinGen allele CA340946.